The following is an entry in ClinVar:

ClinVar aggregate classification (germline): Uncertain significance. Review status: criteria provided, multiple submitters, no conflicts (2 of 4 stars). 5 submissions from 5 submitters: Uncertain significance (2). 3 of the submissions do not count toward it. Last evaluated 2026-08-11.

Conditions:
Dilated cardiomyopathy 1G (CMD1G). Identifiers: Orphanet 154, MedGen C1858763, MONDO:0011400, OMIM 604145.
Hypertrophic cardiomyopathy 9. Also called: Familial hypertrophic cardiomyopathy 9. Identifiers: MedGen C1861065, MONDO:0013412, OMIM 613765.
Early-onset myopathy with fatal cardiomyopathy (CMYO5). Also called: Salih Myopathy; CONGENITAL MYOPATHY 5 WITH CARDIOMYOPATHY. Identifiers: Orphanet 289377, MedGen C2673677, MONDO:0012714, OMIM 611705. Disease mechanism: loss of function.
Tibial muscular dystrophy (TMD). Also called: UDD MYOPATHY; Tibial muscular dystrophy, tardive; Udd Distal Myopathy – Tibial Muscular Dystrophy. Identifiers: Orphanet 609, MedGen C1838244, MONDO:0010870, OMIM 600334.
Autosomal recessive limb-girdle muscular dystrophy type 2J (LGMDR10). Also called: Limb-girdle muscular dystrophy, type 2J; MUSCULAR DYSTROPHY, LIMB-GIRDLE, AUTOSOMAL RECESSIVE 10. Identifiers: Orphanet 140922, MedGen C1837342, MONDO:0012127, OMIM 608807.
Myopathy, myofibrillar, 9, with early respiratory failure (MFM9). Also called: Hereditary myopathy with early respiratory failure; EDSTROM MYOPATHY; MYOPATHY, PROXIMAL, WITH EARLY RESPIRATORY MUSCLE INVOLVEMENT; Myopathy, distal, with early respiratory failure, autosomal dominant. Identifiers: Orphanet 178464, Orphanet 34521, MedGen C1863599, MONDO:0011362, OMIM 603689.
TTN-related disorder. Also called: TTN-related disorders; TTN-related condition; TTN-related disease.

Allele frequency attached by ClinVar (database versions not stated): gnomAD exomes below 0.00001 and 0.00001; ExAC 0.00001; TOPMed 0.00002; gnomAD 0.00003 and 0.00004.
gnomAD v4.1: 9 of 1,613,678 alleles (0.00056%); highest among the groups gnomAD compares: African/African-American, 0.011%; no homozygotes.

Submissions (5):

PreventionGenetics, part of Exact Sciences
Classification: Uncertain significance for TTN-related condition. Last evaluated: 2026-08-11. Review status: criteria provided, single submitter. Criteria: ACMG Guidelines, 2015. Collection method: clinical testing. Allele origin: germline.
Comment: The TTN c.85380A>G variant is predicted to result in the amino acid substitution p.Ile28460Met. This variant has been reported in an individual with dilated cardiomyopathy (variant referred to as p.Ile25892Met in Supplementary File 2 in van Lint et al. 2019. PubMed ID: 30847666). This variant is reported in 0.012% of alleles in individuals of African descent in gnomAD. At this time, the clinical significance of this variant is uncertain due to the absence of conclusive functional and genetic evidence.

Fulgent Genetics
Classification: Uncertain significance for Tibial muscular dystrophy; Myopathy, myofibrillar, 9, with early respiratory failure; Dilated cardiomyopathy 1G; Autosomal recessive limb-girdle muscular dystrophy type 2J; Early-onset myopathy with fatal cardiomyopathy; Hypertrophic cardiomyopathy 9. Last evaluated: 2021-09-21. Review status: criteria provided, single submitter. Criteria: ACMG Guidelines, 2015. Collection method: clinical testing. Allele origin: unknown.

Clinical Genetics, Academic Medical Center
Classification: Uncertain significance. Review status: no assertion criteria provided. Collection method: clinical testing. Allele origin: germline. Affected: yes. Study: VKGL Data-share Consensus. Not counted in ClinVar's aggregate classification.

Joint Genome Diagnostic Labs from Nijmegen and Maastricht, Radboudumc and MUMC+
Classification: Uncertain significance. Review status: no assertion criteria provided. Collection method: clinical testing. Allele origin: germline. Affected: yes. Study: VKGL Data-share Consensus. Not counted in ClinVar's aggregate classification.

Laboratory of Diagnostic Genome Analysis, Leiden University Medical Center (LUMC)
Classification: Uncertain significance. Review status: no assertion criteria provided. Collection method: clinical testing. Allele origin: germline. Affected: yes. Study: VKGL Data-share Consensus. Not counted in ClinVar's aggregate classification.

NM_001267550.2(TTN):c.85380A>G (p.Ile28460Met)

Genes: TTN (titin; minus strand), TTN-AS1 (TTN antisense RNA 1; plus strand). Cytogenetic location: 2q31.2.
Variant type: single nucleotide variant.
Coding change: c.85380A>G on transcript NM_001267550.2 (MANE Select); coding-DNA position 85380, A replaced by G.
Protein change: p.Ile28460Met; replaces isoleucine 28460 with methionine.
Molecular consequence: missense variant.
Genome position (GRCh38, 1-based): chr2:178,560,752, T>C on the plus strand (A>G on the coding strand, the complement: TTN is on the minus strand). VCF-style: chr2-178560752-T-C. GRCh37 (hg19) VCF-style: chr2-179425479-T-C.
Other names: c.80457A>G, p.Ile26819Met (NM_001256850.1); c.58185A>G, p.Ile19395Met (NM_003319.4); c.77676A>G, p.Ile25892Met (NM_133378.4); c.58560A>G, p.Ile19520Met (NM_133432.3); c.58761A>G, p.Ile19587Met (NM_133437.4); short protein forms I19395M, I19520M, I19587M, I25892M, I26819M, I28460M.
Identifiers: ClinVar variation 1299927 (VCV001299927.6), dbSNP rs768545532, ClinGen allele CA1988653.